The following is an entry in ClinVar:

ClinVar aggregate classification (germline): Uncertain significance (1 of 4 stars; one submission).

Conditions:
Hypertrophic cardiomyopathy 1 (CMH1). Also called: Familial hypertrophic cardiomyopathy 1; MYH7-Related Familial Hypertrophic Cardiomyopathy. Identifiers: MedGen C3495498, MONDO:0008647, OMIM 192600.

Allele frequency attached by ClinVar (database versions not stated): gnomAD exomes 0.00001.
gnomAD v4.1: 5 of 1,612,460 alleles (0.00031%); highest among the groups gnomAD compares: Non-Finnish European, 0.00042%; no homozygotes.

Submission:

Labcorp Genetics (formerly Invitae), Labcorp
Classification: Uncertain significance for Hypertrophic cardiomyopathy 1. Last evaluated: 2022-03-13. Review status: criteria provided, single submitter. Criteria: Invitae Variant Classification Sherloc (09022015). Collection method: clinical testing. Allele origin: germline.
Comment: This sequence change replaces glutamic acid, which is acidic and polar, with alanine, which is neutral and non-polar, at codon 239 of the MYLK2 protein (p.Glu239Ala). This variant is not present in population databases (gnomAD no frequency). This variant has not been reported in the literature in individuals affected with MYLK2-related conditions. Algorithms developed to predict the effect of missense changes on protein structure and function are either unavailable or do not agree on the potential impact of this missense change (SIFT: "Tolerated"; PolyPhen-2: "Possibly Damaging"; Align-GVGD: "Class C0"). Algorithms developed to predict the effect of sequence changes on RNA splicing suggest that this variant may disrupt the consensus splice site. In summary, the available evidence is currently insufficient to determine the role of this variant in disease. Therefore, it has been classified as a Variant of Uncertain Significance.

NM_033118.4(MYLK2):c.716A>C (p.Glu239Ala)

Gene: MYLK2 (myosin light chain kinase 2; plus strand). Cytogenetic location: 20q11.21.
Variant type: single nucleotide variant.
Coding change: c.716A>C on transcript NM_033118.4 (MANE Select); coding-DNA position 716, A replaced by C.
Protein change: p.Glu239Ala; replaces glutamic acid 239 with alanine.
Molecular consequence: missense variant.
Genome position (GRCh38, 1-based): chr20:31,821,681, A>C. VCF-style: chr20-31821681-A-C. GRCh37 (hg19) VCF-style: chr20-30409484-A-C.
Other names: short protein forms E239A.
Identifiers: ClinVar variation 1953165 (VCV001953165.5), dbSNP rs2062252983, ClinGen allele CA408526208.
Genomic context (GRCh38, chr20:31,821,681, plus strand): 5'-AGATGCAAGGGGACACCTCGAGGGGGATTGAGTTCCAGGCTGTTCCCTCAGAGAAATCCG[A>C]GGTGGGGCAGGCCCTCTGTCTCACAGCCAGGGAGGAGGACTGCTTCCAGATTTTGGGTAG-3'
Protein context (NP_149109.1, residues 229-249): EFQAVPSEKS[Glu239Ala]VGQALCLTAR